The following is an entry in ClinVar:

NM_001723.7(DST):c.5519G>A (p.Arg1840His)

Gene: DST (dystonin; minus strand). Cytogenetic location: 6p12.1.
Variant type: single nucleotide variant.
Coding change: c.5519G>A on transcript NM_001723.7 (MANE Plus Clinical); coding-DNA position 5519, G replaced by A.
Protein change: p.Arg1840His; replaces arginine 1840 with histidine.
Molecular consequence: missense variant. On other transcripts: intron variant (10).
Genome position (GRCh38, 1-based): chr6:56,618,515, C>T on the plus strand (G>A on the coding strand, the complement: DST is on the minus strand). VCF-style: chr6-56618515-C-T. GRCh37 (hg19) VCF-style: chr6-56483313-C-T.
Other names: c.4831-4031G>A (NM_001144769.5); c.4930-4031G>A (NM_001374722.1, NM_001374736.1); c.4957-4031G>A (NM_001374734.1); c.4417-4031G>A (NM_001144770.2); c.4297-4031G>A (NM_001374730.1, NM_001386100.1, NM_183380.4 and 1 more transcripts); c.3319-4031G>A (NM_015548.5); short protein forms R1840H.
Identifiers: ClinVar variation 846743 (VCV000846743.7), dbSNP rs35341433, ClinGen allele CA3870346.
Genomic context (GRCh38, chr6:56,618,515, plus strand): 5'-AATTGATGTTCATGCTCTTTGATCTGTTGGTCCATTTTTTGCTTCAGGTTTTCAACCTCA[C>T]GCTTCTGGGCTATCAGCTCATCCTCAAGTTTCTGACATTTTTGGTAATGATTTGCTTCCA-3'
Protein context (NP_001714.1, residues 1830-1850): KLEDELIAQK[Arg1840His]EVENLKQKMD

ClinVar aggregate classification (germline): Uncertain significance. Review status: criteria provided, multiple submitters, no conflicts (2 of 4 stars). 4 submissions from 4 submitters: Uncertain significance (3). 1 of the submissions does not count toward it. Last evaluated 2024-10-02.

Conditions:
DST-related disorder. Also called: DST-related condition; DST-related disorders.
Epidermolysis bullosa simplex 3, localized or generalized intermediate, with BP230 deficiency (EBS3). Also called: Epidermolysis bullosa simplex due to BP230 deficiency; Epidermolysis bullosa simplex, autosomal recessive 2. Identifiers: Orphanet 412181, MedGen C3809470, MONDO:0014180, OMIM 615425.
Hereditary sensory and autonomic neuropathy type 6. Also called: HSAN VI; Neuropathy, hereditary sensory and autonomic, type VI. Identifiers: Orphanet 314381, MedGen C3539003, MONDO:0013839, OMIM 614653.

Allele frequency attached by ClinVar (database versions not stated): gnomAD exomes 0.00008 and 0.00024; ExAC 0.00020; 1000 Genomes Project 30x 0.00062; gnomAD 0.00066 and 0.00070; ESP Exome Variant Server 0.00069; TOPMed 0.00079; 1000 Genomes Project 0.00080.
gnomAD v4.1: 217 of 1,614,166 alleles (0.013%); highest among the groups gnomAD compares: African/African-American, 0.21%; no homozygotes.

Submissions (4):

GeneDx
Classification: Uncertain significance. Last evaluated: 2024-10-02. Review status: criteria provided, single submitter. Criteria: GeneDx Variant Classification Process June 2021. Collection method: clinical testing. Allele origin: germline. Affected: yes.
Comment: In silico analysis indicates that this missense variant does not alter protein structure/function; Has not been previously published as pathogenic or benign to our knowledge

Women's Health and Genetics/Laboratory Corporation of America, LabCorp
Classification: Uncertain significance. Last evaluated: 2024-04-23. Review status: criteria provided, single submitter. Criteria: LabCorp Variant Classification Summary - May 2015. Collection method: clinical testing. Allele origin: germline.
Comment: Variant summary: DST c.5519G>A (p.Arg1840His) results in a non-conservative amino acid change in the encoded protein sequence. Four of five in-silico tools predict a benign effect of the variant on protein function. The variant allele was found at a frequency of 0.00024 in 251158 control chromosomes. To our knowledge, no occurrence of c.5519G>A in individuals affected with DST-Related Disorders and no experimental evidence demonstrating its impact on protein function have been reported. ClinVar contains an entry for this variant (Variation ID: 846743). Based on the evidence outlined above, the variant was classified as uncertain significance.

Labcorp Genetics (formerly Invitae), Labcorp
Classification: Uncertain significance for Epidermolysis bullosa simplex 3, localized or generalized intermediate, with BP230 deficiency; Hereditary sensory and autonomic neuropathy type 6. Last evaluated: 2022-10-19. Review status: criteria provided, single submitter. Criteria: Invitae Variant Classification Sherloc (09022015). Collection method: clinical testing. Allele origin: germline.
Comment: This sequence change replaces arginine, which is basic and polar, with histidine, which is basic and polar, at codon 1840 of the DST protein (p.Arg1840His). This variant is present in population databases (rs35341433, gnomAD 0.2%). This variant has not been reported in the literature in individuals affected with DST-related conditions. ClinVar contains an entry for this variant (Variation ID: 846743). Algorithms developed to predict the effect of missense changes on protein structure and function are either unavailable or do not agree on the potential impact of this missense change (SIFT: "Deleterious"; PolyPhen-2: "Benign"; Align-GVGD: "Class C0"). In summary, the available evidence is currently insufficient to determine the role of this variant in disease. Therefore, it has been classified as a Variant of Uncertain Significance.

PreventionGenetics, part of Exact Sciences
Classification: Likely benign for DST-related condition. Last evaluated: 2024-05-28. Review status: no assertion criteria provided. Collection method: clinical testing. Allele origin: germline. Not counted in ClinVar's aggregate classification.
Comment: This variant is classified as likely benign based on ACMG/AMP sequence variant interpretation guidelines (Richards et al. 2015 PMID: 25741868, with internal and published modifications).